The following is an entry in ClinVar:

ClinVar aggregate classification (germline): Uncertain significance. Review status: criteria provided, multiple submitters, no conflicts (2 of 4 stars). 6 submissions from 5 submitters: Uncertain significance (5). 1 of the submissions does not count toward it. Last evaluated 2022-12-15.

Conditions:
Usher syndrome type 1 (USH1). Also called: RETINITIS PIGMENTOSA AND CONGENITAL DEAFNESS. Identifiers: Orphanet 231169, Orphanet 886, MedGen C1568247, MONDO:0010168, OMIM 276900.
Autosomal recessive nonsyndromic hearing loss 12. Also called: DEAFNESS, AUTOSOMAL RECESSIVE 12. Identifiers: Orphanet 90636, MedGen C1832394, MONDO:0011067, OMIM 601386.
Usher syndrome type 1D (USH1D). Also called: USHER SYNDROME, TYPE ID. Identifiers: Orphanet 231169, Orphanet 886, MedGen C1832845, MONDO:0010984, OMIM 601067.
Inborn genetic diseases. Identifiers: MedGen C0950123, MeSH D030342.

Allele frequency attached by ClinVar (database versions not stated): ExAC 0.00002; gnomAD exomes 0.00002; gnomAD 0.00003; TOPMed 0.00003.
gnomAD v4.1: 88 of 1,613,840 alleles (0.0055%); highest among the groups gnomAD compares: Non-Finnish European, 0.0072%; no homozygotes.

Submissions (6):

Ambry Genetics
Classification: Uncertain significance for Inborn genetic diseases. Last evaluated: 2022-12-15. Review status: criteria provided, single submitter. Criteria: Ambry Variant Classification Scheme 2023. Collection method: clinical testing. Allele origin: germline.

Blueprint Genetics
Classification: Uncertain significance. Last evaluated: 2022-10-26. Review status: criteria provided, single submitter. Criteria: ACMG Guidelines, 2015. Collection method: clinical testing. Allele origin: germline.

Labcorp Genetics (formerly Invitae), Labcorp
Classification: Uncertain significance. Last evaluated: 2022-09-12. Review status: criteria provided, single submitter. Criteria: Invitae Variant Classification Sherloc (09022015). Collection method: clinical testing. Allele origin: germline.
Comment: This sequence change replaces arginine, which is basic and polar, with tryptophan, which is neutral and slightly polar, at codon 1897 of the CDH23 protein (p.Arg1897Trp). This variant is present in population databases (rs750798211, gnomAD 0.003%). This variant has not been reported in the literature in individuals affected with CDH23-related conditions. ClinVar contains an entry for this variant (Variation ID: 879909). Advanced modeling of protein sequence and biophysical properties (such as structural, functional, and spatial information, amino acid conservation, physicochemical variation, residue mobility, and thermodynamic stability) performed at Invitae indicates that this missense variant is not expected to disrupt CDH23 protein function. In summary, the available evidence is currently insufficient to determine the role of this variant in disease. Therefore, it has been classified as a Variant of Uncertain Significance.

Illumina Laboratory Services, Illumina
Classification: Uncertain significance for Usher syndrome type 1D. Last evaluated: 2018-01-13. Review status: criteria provided, single submitter. Criteria: ICSL Variant Classification Criteria 13 December 2019. Collection method: clinical testing. Allele origin: germline.

Illumina Laboratory Services, Illumina
Classification: Uncertain significance for Autosomal recessive nonsyndromic hearing loss 12. Last evaluated: 2018-01-13. Review status: criteria provided, single submitter. Criteria: ICSL Variant Classification Criteria 13 December 2019. Collection method: clinical testing. Allele origin: germline.

Natera, Inc.
Classification: Uncertain significance for Usher syndrome type 1. Last evaluated: 2020-01-24. Review status: no assertion criteria provided. Collection method: clinical testing. Allele origin: germline. Not counted in ClinVar's aggregate classification.

NM_022124.6(CDH23):c.5689C>T (p.Arg1897Trp)

Gene: CDH23 (cadherin related 23; plus strand). Cytogenetic location: 10q22.1.
Variant type: single nucleotide variant.
Coding change: c.5689C>T on transcript NM_022124.6 (MANE Select); coding-DNA position 5689, C replaced by T.
Protein change: p.Arg1897Trp; replaces arginine 1897 with tryptophan.
Molecular consequence: missense variant.
Genome position (GRCh38, 1-based): chr10:71,785,077, C>T. VCF-style: chr10-71785077-C-T. GRCh37 (hg19) VCF-style: chr10-73544834-C-T.
Other names: short protein forms R1897W.
Identifiers: ClinVar variation 879909 (VCV000879909.12), dbSNP rs750798211, ClinGen allele CA5545838.